The following is an entry in ClinVar:

NM_015340.4(LARS2):c.1808C>T (p.Thr603Ile)

Gene: LARS2 (leucyl-tRNA synthetase 2, mitochondrial; plus strand). Cytogenetic location: 3p21.31.
Variant type: single nucleotide variant.
Coding change: c.1808C>T on transcript NM_015340.4 (MANE Select); coding-DNA position 1808, C replaced by T.
Protein change: p.Thr603Ile; replaces threonine 603 with isoleucine.
Molecular consequence: missense variant.
Genome position (GRCh38, 1-based): chr3:45,513,182, C>T. VCF-style: chr3-45513182-C-T. GRCh37 (hg19) VCF-style: chr3-45554674-C-T.
Other names: c.1808C>T, p.Thr603Ile (NM_001368263.1); short protein forms T603I.
Identifiers: ClinVar variation 4988625 (VCV004988625.1).

ClinVar aggregate classification (germline): Uncertain significance (1 of 4 stars; one submission).

Conditions:
LARS2-related disorder. Also called: LARS2-related condition.

Submission:

PreventionGenetics, part of Exact Sciences
Classification: Uncertain significance for LARS2-related condition. Last evaluated: 2025-09-10. Review status: criteria provided, single submitter. Criteria: ACMG Guidelines, 2015. Collection method: clinical testing. Allele origin: germline.
Comment: The LARS2 c.1808C>T variant is predicted to result in the amino acid substitution p.Thr603Ile. To our knowledge, this variant has not been reported in the literature or in a large population database (gnomAD), indicating this variant is rare. At this time, the clinical significance of this variant is uncertain due to the absence of conclusive functional and genetic evidence.